The following is an entry in ClinVar:

NM_015896.4(ZMYND10):c.832C>T (p.Arg278Cys)

Gene: ZMYND10 (zinc finger MYND-type containing 10; minus strand). Cytogenetic location: 3p21.31.
Variant type: single nucleotide variant.
Coding change: c.832C>T on transcript NM_015896.4 (MANE Select); coding-DNA position 832, C replaced by T.
Protein change: p.Arg278Cys; replaces arginine 278 with cysteine.
Molecular consequence: missense variant.
Genome position (GRCh38, 1-based): chr3:50,342,438, G>A on the plus strand (C>T on the coding strand, the complement: ZMYND10 is on the minus strand). VCF-style: chr3-50342438-G-A. GRCh37 (hg19) VCF-style: chr3-50379869-G-A.
Other names: c.817C>T, p.Arg273Cys (NM_001308379.2); short protein forms R273C, R278C.
Identifiers: ClinVar variation 977535 (VCV000977535.4), dbSNP rs372975420, ClinGen allele CA2417077.

ClinVar aggregate classification (germline): Uncertain significance. Review status: criteria provided, multiple submitters, no conflicts (2 of 4 stars). 2 submissions from 2 submitters: Uncertain significance (2). Last evaluated 2022-08-12.

Conditions:
Primary ciliary dyskinesia. Also called: Ciliary dyskinesia. Identifiers: Orphanet 244, MedGen C0008780, MONDO:0016575, HP:0012265.

Allele frequency attached by ClinVar (database versions not stated): gnomAD exomes 0.00001 and 0.00003; gnomAD 0.00003; TOPMed 0.00004; ExAC 0.00008; ESP Exome Variant Server 0.00008; 1000 Genomes Project 0.00020; 1000 Genomes Project 30x 0.00031.

Submissions (2):

Labcorp Genetics (formerly Invitae), Labcorp
Classification: Uncertain significance for Primary ciliary dyskinesia. Last evaluated: 2022-08-12. Review status: criteria provided, single submitter. Criteria: Invitae Variant Classification Sherloc (09022015). Collection method: clinical testing. Allele origin: germline.
Comment: This sequence change replaces arginine, which is basic and polar, with cysteine, which is neutral and slightly polar, at codon 278 of the ZMYND10 protein (p.Arg278Cys). This variant is present in population databases (rs372975420, gnomAD 0.02%). This variant has not been reported in the literature in individuals affected with ZMYND10-related conditions. ClinVar contains an entry for this variant (Variation ID: 977535). Algorithms developed to predict the effect of missense changes on protein structure and function are either unavailable or do not agree on the potential impact of this missense change (SIFT: "Deleterious"; PolyPhen-2: "Possibly Damaging"; Align-GVGD: "Class C15"). In summary, the available evidence is currently insufficient to determine the role of this variant in disease. Therefore, it has been classified as a Variant of Uncertain Significance.

UNC Molecular Genetics  Laboratory, University of North Carolina at Chapel Hill
Classification: Uncertain significance for Primary ciliary dyskinesia. Last evaluated: 2018-11-29. Review status: criteria provided, single submitter. Criteria: ACMG Guidelines, 2015. Collection method: clinical testing. Allele origin: germline. Observed: 1 heterozygote.